The following is an entry in ClinVar:

NM_000051.4(ATM):c.5968A>G (p.Ser1990Gly)

Genes: ATM (ATM serine/threonine kinase; plus strand), C11orf65 (chromosome 11 open reading frame 65; minus strand). Cytogenetic location: 11q22.3.
Variant type: single nucleotide variant.
Coding change: c.5968A>G on transcript NM_000051.4 (MANE Select); coding-DNA position 5968, A replaced by G.
Protein change: p.Ser1990Gly; replaces serine 1990 with glycine.
Molecular consequence: missense variant. On other transcripts: intron variant (2).
Genome position (GRCh38, 1-based): chr11:108,312,460, A>G. VCF-style: chr11-108312460-A-G. GRCh37 (hg19) VCF-style: chr11-108183187-A-G.
Other names: c.5968A>G, p.Ser1990Gly (NM_001351834.2); c.641-3389T>C (NM_001330368.2); c.*39-3389T>C (NM_001351110.2); short protein forms S1990G.
Identifiers: ClinVar variation 1970448 (VCV001970448.5), dbSNP rs1275100503, ClinGen allele CA382548730.

ClinVar aggregate classification (germline): Uncertain significance (1 of 4 stars; one submission).

Conditions:
Ataxia-telangiectasia syndrome (AT). Also called: Ataxia-telangiectasia, complementation group D; AT, COMPLEMENTATION GROUP C; ATAXIA-TELANGIECTASIA, COMPLEMENTATION GROUP A; ATAXIA-TELANGIECTASIA, FRESNO VARIANT; Ataxia-telangiectasia, complementation group E; LOUIS-BAR SYNDROME. Identifiers: Orphanet 100, MedGen C0004135, MONDO:0008840, OMIM 208900.

Submission:

Labcorp Genetics (formerly Invitae), Labcorp
Classification: Uncertain significance for Ataxia-telangiectasia syndrome. Last evaluated: 2022-08-31. Review status: criteria provided, single submitter. Criteria: Invitae Variant Classification Sherloc (09022015). Collection method: clinical testing. Allele origin: germline.
Comment: In summary, the available evidence is currently insufficient to determine the role of this variant in disease. Therefore, it has been classified as a Variant of Uncertain Significance. Advanced modeling of protein sequence and biophysical properties (such as structural, functional, and spatial information, amino acid conservation, physicochemical variation, residue mobility, and thermodynamic stability) performed at Invitae indicates that this missense variant is not expected to disrupt ATM protein function. This variant has not been reported in the literature in individuals affected with ATM-related conditions. This variant is not present in population databases (gnomAD no frequency). This sequence change replaces serine, which is neutral and polar, with glycine, which is neutral and non-polar, at codon 1990 of the ATM protein (p.Ser1990Gly).